The following is an entry in ClinVar:

ClinVar aggregate classification (germline): Uncertain significance (1 of 4 stars; one submission).

Conditions:
Primary ciliary dyskinesia 27. Also called: CILIARY DYSKINESIA, PRIMARY, 27, WITHOUT SITUS INVERSUS. Identifiers: Orphanet 244, MedGen C3809701, MONDO:0014215, OMIM 615504.

Allele frequency attached by ClinVar (database versions not stated): ExAC 0.00002; gnomAD 0.00003; ESP Exome Variant Server 0.00015.
gnomAD v4.1: 28 of 1,614,036 alleles (0.0017%); highest among the groups gnomAD compares: African/African-American, 0.0027%; no homozygotes.

Submission:

Labcorp Genetics (formerly Invitae), Labcorp
Classification: Uncertain significance for Primary ciliary dyskinesia 27. Last evaluated: 2022-07-13. Review status: criteria provided, single submitter. Criteria: Invitae Variant Classification Sherloc (09022015). Collection method: clinical testing. Allele origin: germline.
Comment: This sequence change replaces arginine, which is basic and polar, with tryptophan, which is neutral and slightly polar, at codon 134 of the CCDC65 protein (p.Arg134Trp). This variant is present in population databases (rs139889026, gnomAD 0.004%). This variant has not been reported in the literature in individuals affected with CCDC65-related conditions. Algorithms developed to predict the effect of missense changes on protein structure and function are either unavailable or do not agree on the potential impact of this missense change (SIFT: "Deleterious"; PolyPhen-2: "Probably Damaging"; Align-GVGD: "Class C0"). In summary, the available evidence is currently insufficient to determine the role of this variant in disease. Therefore, it has been classified as a Variant of Uncertain Significance.

NM_033124.5(DRC2):c.400C>T (p.Arg134Trp)

Gene: DRC2 (dynein regulatory complex subunit 2; plus strand). Cytogenetic location: 12q13.12.
Variant type: single nucleotide variant.
Coding change: c.400C>T on transcript NM_033124.5 (MANE Select); coding-DNA position 400, C replaced by T.
Protein change: p.Arg134Trp; replaces arginine 134 with tryptophan.
Molecular consequence: missense variant. On other transcripts: 5 prime UTR variant (1).
Genome position (GRCh38, 1-based): chr12:48,914,503, C>T. VCF-style: chr12-48914503-C-T. GRCh37 (hg19) VCF-style: chr12-49308286-C-T.
Other names: c.-30C>T (NM_001286957.2); short protein forms R134W.
Identifiers: ClinVar variation 2059039 (VCV002059039.1), dbSNP rs139889026, ClinGen allele CA6543228.